The following is an entry in ClinVar:

ClinVar aggregate classification (germline): Uncertain significance (1 of 4 stars; one submission).

Submission:

Labcorp Genetics (formerly Invitae), Labcorp
Classification: Uncertain significance. Last evaluated: 2025-09-03. Review status: criteria provided, single submitter. Criteria: Invitae Variant Classification Sherloc (09022015). Collection method: clinical testing. Allele origin: germline.
Comment: This sequence change replaces methionine, which is neutral and non-polar, with valine, which is neutral and non-polar, at codon 222 of the CPAMD8 protein (p.Met222Val). This variant is not present in population databases (gnomAD no frequency). This variant has not been reported in the literature in individuals affected with CPAMD8-related conditions. An algorithm developed to predict the effect of missense changes on protein structure and function outputs the following: PolyPhen-2: "Benign". The valine amino acid residue is found in multiple mammalian species, which suggests that this missense change does not adversely affect protein function. In summary, the available evidence is currently insufficient to determine the role of this variant in disease. Therefore, it has been classified as a Variant of Uncertain Significance.

NM_015692.5(CPAMD8):c.523A>G (p.Met175Val)

Gene: CPAMD8 (C3 and PZP like alpha-2-macroglobulin domain containing 8; minus strand). Cytogenetic location: 19p13.11.
Variant type: single nucleotide variant.
Coding change: c.523A>G on transcript NM_015692.5 (MANE Select); coding-DNA position 523, A replaced by G.
Protein change: p.Met175Val; replaces methionine 175 with valine.
Molecular consequence: missense variant. On other transcripts: non-coding transcript variant (1).
Genome position (GRCh38, 1-based): chr19:17,008,541, T>C on the plus strand (A>G on the coding strand, the complement: CPAMD8 is on the minus strand). VCF-style: chr19-17008541-T-C. GRCh37 (hg19) VCF-style: chr19-17119351-T-C.
Other names: short protein forms M175V.
Identifiers: ClinVar variation 4781924 (VCV004781924.1).